The following is an entry in ClinVar:

ClinVar aggregate classification (germline): Uncertain significance. Review status: criteria provided, single submitter (1 of 4 stars). 2 submissions from 2 submitters: Uncertain significance (1). 1 of the submissions does not count toward it. Last evaluated 2025-09-28.

Conditions:
MAGEL2-related disorder. Also called: MAGEL2-related condition.
Inborn genetic diseases. Identifiers: MedGen C0950123, MeSH D030342.

Submissions (2):

Ambry Genetics
Classification: Uncertain significance for Inborn genetic diseases. Last evaluated: 2025-09-28. Review status: criteria provided, single submitter. Criteria: Ambry Variant Classification Scheme 2023. Collection method: clinical testing. Allele origin: germline.

PreventionGenetics, part of Exact Sciences
Classification: Uncertain significance for MAGEL2-related condition. Last evaluated: 2023-10-31. Review status: no assertion criteria provided. Collection method: clinical testing. Allele origin: germline. Not counted in ClinVar's aggregate classification.
Comment: The MAGEL2 c.689C>T variant is predicted to result in the amino acid substitution p.Ala230Val. To our knowledge, this variant has not been reported in the literature or in a large population database, indicating this variant is rare. At this time, the clinical significance of this variant is uncertain due to the absence of conclusive functional and genetic evidence.

NM_019066.5(MAGEL2):c.689C>T (p.Ala230Val)

Gene: MAGEL2 (MAGE family member L2; minus strand). Cytogenetic location: 15q11.2.
Variant type: single nucleotide variant.
Coding change: c.689C>T on transcript NM_019066.5 (MANE Select); coding-DNA position 689, C replaced by T.
Protein change: p.Ala230Val; replaces alanine 230 with valine.
Molecular consequence: missense variant.
Genome position (GRCh38, 1-based): chr15:23,647,054, G>A on the plus strand (C>T on the coding strand, the complement: MAGEL2 is on the minus strand). VCF-style: chr15-23647054-G-A. GRCh37 (hg19) VCF-style: chr15-23892201-G-A.
Other names: short protein forms A230V.
Identifiers: ClinVar variation 3348191 (VCV003348191.2).